The following is an entry in ClinVar:

ClinVar aggregate classification (germline): Uncertain significance. Review status: criteria provided, multiple submitters, no conflicts (2 of 4 stars). 3 submissions from 3 submitters: Uncertain significance (2). 1 of the submissions does not count toward it. Last evaluated 2025-04-10.

Conditions:
Mucolipidosis type II. Also called: Mucolipidosis 2; ML 2; Inclusion cell disease; Leroy Disease; N-acetylglucosamine 1phosphotransferase deficiency; ML disorder type 2. Identifiers: Orphanet 576, MedGen C2673377, MONDO:0009650, OMIM 252500.
Pseudo-Hurler polydystrophy. Also called: ML IIIA; Mucolipidosis III Alpha/Beta; MUCOLIPIDOSIS IIIA; ML III; ML III ALPHA/BETA; Type III Mucolipidosis. Identifiers: Orphanet 423461, Orphanet 577, MedGen C0033788, MONDO:0018931, OMIM 252600.
Inborn genetic diseases. Identifiers: MedGen C0950123, MeSH D030342.

Allele frequency attached by ClinVar (database versions not stated): gnomAD exomes 0.00002 and 0.00006; TOPMed 0.00002; ExAC 0.00002.
gnomAD v4.1: 25 of 1,613,842 alleles (0.0015%); highest among the groups gnomAD compares: Admixed American, 0.027%; no homozygotes.

Submissions (3):

Ambry Genetics
Classification: Uncertain significance for Inborn genetic diseases. Last evaluated: 2025-04-10. Review status: criteria provided, single submitter. Criteria: Ambry Variant Classification Scheme 2023. Collection method: clinical testing. Allele origin: germline.

Labcorp Genetics (formerly Invitae), Labcorp
Classification: Uncertain significance for Pseudo-Hurler polydystrophy; Mucolipidosis type II. Last evaluated: 2022-01-28. Review status: criteria provided, single submitter. Criteria: Invitae Variant Classification Sherloc (09022015). Collection method: clinical testing. Allele origin: germline.
Comment: This sequence change replaces serine, which is neutral and polar, with glycine, which is neutral and non-polar, at codon 265 of the GNPTAB protein (p.Ser265Gly). This variant is present in population databases (rs779150416, gnomAD 0.04%). This variant has not been reported in the literature in individuals affected with GNPTAB-related conditions. ClinVar contains an entry for this variant (Variation ID: 942272). Advanced modeling of protein sequence and biophysical properties (such as structural, functional, and spatial information, amino acid conservation, physicochemical variation, residue mobility, and thermodynamic stability) performed at Invitae indicates that this missense variant is not expected to disrupt GNPTAB protein function. In summary, the available evidence is currently insufficient to determine the role of this variant in disease. Therefore, it has been classified as a Variant of Uncertain Significance.

Natera, Inc.
Classification: Uncertain significance for Mucolipidosis type II. Last evaluated: 2020-04-17. Review status: no assertion criteria provided. Collection method: clinical testing. Allele origin: germline. Not counted in ClinVar's aggregate classification.

NM_024312.5(GNPTAB):c.793A>G (p.Ser265Gly)

Gene: GNPTAB (N-acetylglucosamine-1-phosphate transferase subunits alpha and beta; minus strand). Cytogenetic location: 12q23.2.
Variant type: single nucleotide variant.
Coding change: c.793A>G on transcript NM_024312.5 (MANE Select); coding-DNA position 793, A replaced by G.
Protein change: p.Ser265Gly; replaces serine 265 with glycine.
Molecular consequence: missense variant.
Genome position (GRCh38, 1-based): chr12:101,771,136, T>C on the plus strand (A>G on the coding strand, the complement: GNPTAB is on the minus strand). VCF-style: chr12-101771136-T-C. GRCh37 (hg19) VCF-style: chr12-102164914-T-C.
Other names: short protein forms S265G.
Identifiers: ClinVar variation 942272 (VCV000942272.5), dbSNP rs779150416, ClinGen allele CA6746783.
Genomic context (GRCh38, chr12:101,771,136, plus strand): 5'-TAGTTTGCTTATTCAATTCTTGAAAATCCTTGGGGTTATTCAGTTTTAGAAGCGCTACAC[T>C]GGCCTCTGAATACAACTGCAACTATCAAATAACAAGAGGATTACACATGAAAAGACTGAA-3'
Protein context (NP_077288.2, residues 255-275): VKLLQLYSEA[Ser265Gly]VALLKLNNPK